The following is an entry in ClinVar:

NM_001399.5(EDA):c.814A>G (p.Asn272Asp)

Gene: EDA (ectodysplasin A; plus strand). Cytogenetic location: Xq13.1.
Variant type: single nucleotide variant.
Coding change: c.814A>G on transcript NM_001399.5 (MANE Select); coding-DNA position 814, A replaced by G.
Protein change: p.Asn272Asp; replaces asparagine 272 with aspartic acid.
Molecular consequence: missense variant.
Genome position (GRCh38, 1-based): chrX:70,033,418, A>G. VCF-style: chrX-70033418-A-G. GRCh37 (hg19) VCF-style: chrX-69253268-A-G.
Other names: c.814A>G, p.Asn272Asp (NM_001005609.2); c.805A>G, p.Asn269Asp (NM_001005612.3); short protein forms N272D, N269D.
Identifiers: ClinVar variation 458661 (VCV000458661.8), dbSNP rs1556106742, ClinGen allele CA413448797.

ClinVar aggregate classification (germline): Uncertain significance (1 of 4 stars; one submission).

Conditions:
Hypohidrotic X-linked ectodermal dysplasia (XHED). Also called: Ectodermal Dysplasia 1, Anhidrotic; ECTODERMAL DYSPLASIA, HYPOHIDROTIC, 1; CST SYNDROME; ECTODERMAL DYSPLASIA 1; Christ-Siemans-Touraine syndrome; Anhidrotic ectodermal dysplasia X-linked. Identifiers: Orphanet 181, Orphanet 238468, MedGen C0162359, MONDO:0010585, OMIM 305100.

Submission:

Labcorp Genetics (formerly Invitae), Labcorp
Classification: Uncertain significance for Hypohidrotic X-linked ectodermal dysplasia. Last evaluated: 2023-12-25. Review status: criteria provided, single submitter. Criteria: Invitae Variant Classification Sherloc (09022015). Collection method: clinical testing. Allele origin: germline.
Comment: This sequence change replaces asparagine, which is neutral and polar, with aspartic acid, which is acidic and polar, at codon 272 of the EDA protein (p.Asn272Asp). This variant is not present in population databases (gnomAD no frequency). This missense change has been observed in individual(s) with clinical features consistent with ectodermal dysplasia (Invitae). ClinVar contains an entry for this variant (Variation ID: 458661). Advanced modeling of protein sequence and biophysical properties (such as structural, functional, and spatial information, amino acid conservation, physicochemical variation, residue mobility, and thermodynamic stability) has been performed at Invitae for this missense variant, however the output from this modeling did not meet the statistical confidence thresholds required to predict the impact of this variant on EDA protein function. In summary, the available evidence is currently insufficient to determine the role of this variant in disease. Therefore, it has been classified as a Variant of Uncertain Significance.